The following is an entry in ClinVar:

ClinVar aggregate classification (germline): Likely pathogenic. Review status: criteria provided, single submitter (1 of 4 stars). 2 submissions from 2 submitters: Likely pathogenic (1). 1 of the submissions does not count toward it. Last evaluated 2024-04-30.

Conditions:
Intellectual developmental disorder, autosomal recessive 57. Also called: Intellectual disability, autosomal recessive 57. Identifiers: MedGen C4310673, MONDO:0014962, OMIM 617188.
MBOAT7-related disorder. Also called: MBOAT7-related condition.

gnomAD v4.1: 5 of 1,607,394 alleles (0.00031%); highest among the groups gnomAD compares: Admixed American, 0.0085%; no homozygotes.

Submissions (2):

Greenwood Genetic Center Diagnostic Laboratories, Greenwood Genetic Center
Classification: Likely pathogenic for Intellectual developmental disorder, autosomal recessive 57. Last evaluated: 2024-04-30. Review status: criteria provided, single submitter. Criteria: ACMG Guidelines, 2015. Collection method: clinical testing. Allele origin: germline. Affected: yes.
Comment: PVS1, PM2

PreventionGenetics, part of Exact Sciences
Classification: Likely pathogenic for MBOAT7-related condition. Last evaluated: 2024-07-30. Review status: no assertion criteria provided. Collection method: clinical testing. Allele origin: germline. Not counted in ClinVar's aggregate classification.
Comment: The MBOAT7 c.493+1G>T variant is predicted to disrupt the GT donor site and interfere with normal splicing. To our knowledge, this variant has not been reported in the literature. This variant is reported in 0.012% of alleles in individuals of Latino descent in gnomAD. Variants that disrupt the consensus splice donor site in MBOAT7 are expected to be pathogenic. This variant is interpreted as likely pathogenic.

NM_024298.5(MBOAT7):c.493+1G>T

Gene: MBOAT7 (membrane bound acylglycerophosphatidylinositol O-acyltransferase MBOAT7; minus strand). Cytogenetic location: 19q13.42.
Variant type: single nucleotide variant.
Coding change: c.493+1G>T on transcript NM_024298.5 (MANE Select); the canonical splice donor site of the intron after coding-DNA position 493, G replaced by T.
Molecular consequence: splice donor variant.
Genome position (GRCh38, 1-based): chr19:54,183,520, C>A on the plus strand (G>T on the coding strand, the complement: MBOAT7 is on the minus strand). VCF-style: chr19-54183520-C-A. GRCh37 (hg19) VCF-style: chr19-54687403-C-A.
Other names: c.274+1G>T (NM_001146056.3, NM_001146083.3); c.493+1G>T (NM_001146082.3, NM_024298.4).
Identifiers: ClinVar variation 3338607 (VCV003338607.2).